The following is an entry in ClinVar:

NM_000051.4(ATM):c.3886_3889del (p.Pro1296fs)

Gene: ATM (ATM serine/threonine kinase; plus strand). Cytogenetic location: 11q22.3.
Variant type: Deletion.
Coding change: c.3886_3889del on transcript NM_000051.4 (MANE Select); coding-DNA positions 3886 to 3889, 4 bases deleted (CCTT; older notation c.3886_3889delCCTT).
Protein change: p.Pro1296fs; shifts the reading frame from proline 1296.
Molecular consequence: frameshift variant.
Genome position (GRCh38, 1-based): chr11:108,284,366-108,284,369, CCTT deleted; deleting any 4 consecutive bases within chr11:108,284,363-108,284,369 gives the same sequence; the c. name uses the placement nearest the transcript's 3' end. VCF-style (leftmost placement, unchanged base first): chr11-108284362-TCTTC-T. GRCh37 (hg19) VCF-style: chr11-108155089-TCTTC-T.
Other names: c.3886_3889del, p.Pro1296fs (NM_001351834.2); short protein forms P1296fs.
Identifiers: ClinVar variation 2098743 (VCV002098743.7), dbSNP rs2546887130, ClinGen allele CA2580083292.

ClinVar aggregate classification (germline): Pathogenic/Likely pathogenic. Review status: criteria provided, multiple submitters, no conflicts (2 of 4 stars). 4 submissions from 4 submitters: Pathogenic (3); Likely pathogenic (1). Last evaluated 2024-07-30.

Conditions:
Familial cancer of breast. Also called: hereditary breast carcinoma; Hereditary breast cancer; BREAST CANCER, FAMILIAL. Identifiers: Orphanet 227535, MedGen C0346153, MONDO:0016419, OMIM 114480. Disease mechanism: loss of function.
Ataxia-telangiectasia syndrome (AT). Also called: Ataxia-telangiectasia, complementation group D; AT, COMPLEMENTATION GROUP C; ATAXIA-TELANGIECTASIA, COMPLEMENTATION GROUP A; ATAXIA-TELANGIECTASIA, FRESNO VARIANT; Ataxia telangiectasia (A-T); Ataxia-telangiectasia. Identifiers: Orphanet 100, MedGen C0004135, MONDO:0008840, OMIM 208900.
Hereditary cancer-predisposing syndrome. Also called: Tumor predisposition; Neoplastic Syndromes, Hereditary; Hereditary neoplastic syndrome; Hereditary Cancer Syndrome. Identifiers: Orphanet 140162, MedGen C0027672, MeSH D009386, MONDO:0015356.

Submissions (4):

Ambry Genetics
Classification: Pathogenic for Hereditary cancer-predisposing syndrome. Last evaluated: 2024-07-30. Review status: criteria provided, single submitter. Criteria: Ambry Variant Classification Scheme 2023. Collection method: clinical testing. Allele origin: germline.
Comment: The c.3886_3889delCCTT pathogenic mutation, located in coding exon 25 of the ATM gene, results from a deletion of 4 nucleotides at nucleotide positions 3886 to 3889, causing a translational frameshift with a predicted alternate stop codon (p.P1296Ifs*52). This variant is considered to be rare based on population cohorts in the Genome Aggregation Database (gnomAD). This alteration is expected to result in loss of function by premature protein truncation or nonsense-mediated mRNA decay. As such, this alteration is interpreted as a disease-causing mutation.

Myriad Genetics, Inc.
Classification: Pathogenic for Familial cancer of breast. Last evaluated: 2024-01-23. Review status: criteria provided, single submitter. Criteria: Myriad Autosomal Dominant, Autosomal Recessive and X-Linked Classification Criteria (2023). Collection method: clinical testing. Allele origin: unknown.
Comment: This variant is considered pathogenic. This variant creates a frameshift predicted to result in premature protein truncation.

Labcorp Genetics (formerly Invitae), Labcorp
Classification: Pathogenic for Ataxia-telangiectasia syndrome. Last evaluated: 2022-07-21. Review status: criteria provided, single submitter. Criteria: Invitae Variant Classification Sherloc (09022015). Collection method: clinical testing. Allele origin: germline.
Comment: For these reasons, this variant has been classified as Pathogenic. This variant is also known as c.3886delCCTT. This premature translational stop signal has been observed in individual(s) with ataxia-telangiectasia (PMID: 26896183). This variant is not present in population databases (gnomAD no frequency). This sequence change creates a premature translational stop signal (p.Pro1296Ilefs*52) in the ATM gene. It is expected to result in an absent or disrupted protein product. Loss-of-function variants in ATM are known to be pathogenic (PMID: 23807571, 25614872).

Baylor Genetics
Classification: Likely pathogenic for Familial cancer of breast. Last evaluated: 2022-04-30. Review status: criteria provided, single submitter. Criteria: ACMG Guidelines, 2015. Collection method: clinical testing. Allele origin: unknown.

Literature cited by the submitters: PubMed 26896183 (cited by Labcorp Genetics (formerly Invitae), Labcorp); PubMed 23807571 (cited by Labcorp Genetics (formerly Invitae), Labcorp); PubMed 25614872 (cited by Labcorp Genetics (formerly Invitae), Labcorp).